The following is an entry in ClinVar:

NM_020821.3(VPS13C):c.10864-14G>A

Gene: VPS13C (vacuolar protein sorting 13 homolog C; minus strand). Cytogenetic location: 15q22.2.
Variant type: single nucleotide variant.
Coding change: c.10864-14G>A on transcript NM_020821.3 (MANE Select); 14 bases into the intron before coding-DNA position 10864, G replaced by A.
Molecular consequence: intron variant.
Genome position (GRCh38, 1-based): chr15:61,863,542, C>T on the plus strand (G>A on the coding strand, the complement: VPS13C is on the minus strand). VCF-style: chr15-61863542-C-T. GRCh37 (hg19) VCF-style: chr15-62155741-C-T.
Other names: c.10735-14G>A (NM_017684.5).
Identifiers: ClinVar variation 2096481 (VCV002096481.4), dbSNP rs1440351333, ClinGen allele CA618220710.

ClinVar aggregate classification (germline): Uncertain significance (1 of 4 stars; one submission).

Allele frequency attached by ClinVar (database versions not stated): gnomAD exomes 0.00001.
gnomAD v4.1: 8 of 1,593,730 alleles (0.0005%); highest among the groups gnomAD compares: Middle Eastern, 0.017%; no homozygotes.

Submission:

Labcorp Genetics (formerly Invitae), Labcorp
Classification: Uncertain significance. Last evaluated: 2022-03-11. Review status: criteria provided, single submitter. Criteria: Invitae Variant Classification Sherloc (09022015). Collection method: clinical testing. Allele origin: germline.
Comment: In summary, the available evidence is currently insufficient to determine the role of this variant in disease. Therefore, it has been classified as a Variant of Uncertain Significance. Algorithms developed to predict the effect of sequence changes on RNA splicing suggest that this variant may disrupt the consensus splice site. This variant has not been reported in the literature in individuals affected with VPS13C-related conditions. This variant is present in population databases (no rsID available, gnomAD 0.002%). This sequence change falls in intron 81 of the VPS13C gene. It does not directly change the encoded amino acid sequence of the VPS13C protein.